The following is an entry in ClinVar:

ClinVar aggregate classification (germline): Likely benign. Review status: criteria provided, multiple submitters, no conflicts (2 of 4 stars). 4 submissions from 4 submitters: Likely benign (3). 1 of the submissions does not count toward it. Last evaluated 2025-11-25.

Conditions:
SLC34A3-related disorder. Also called: SLC34A3-related condition.
Autosomal recessive hypophosphatemic bone disease (HHRH). Also called: HYPERCALCIURIC RICKETS; Hypophosphatemic rickets with hypercalciuria. Identifiers: Orphanet 157215, MedGen C1853271, MONDO:0009431, OMIM 241530.

Allele frequency attached by ClinVar (database versions not stated): gnomAD 0.00005; ExAC 0.00006; TOPMed 0.00006; ESP Exome Variant Server 0.00008; 1000 Genomes Project 0.00020; 1000 Genomes Project 30x 0.00031.
gnomAD v4.1: 151 of 1,604,730 alleles (0.0094%); highest among the groups gnomAD compares: Admixed American, 0.053%; no homozygotes.

Submissions (4):

Labcorp Genetics (formerly Invitae), Labcorp
Classification: Likely benign. Last evaluated: 2025-11-25. Review status: criteria provided, single submitter. Criteria: Invitae Variant Classification Sherloc (09022015). Collection method: clinical testing. Allele origin: germline.

Fulgent Genetics
Classification: Likely benign for Autosomal recessive hypophosphatemic bone disease. Last evaluated: 2022-01-11. Review status: criteria provided, single submitter. Criteria: ACMG Guidelines, 2015. Collection method: clinical testing. Allele origin: unknown.

Blueprint Genetics
Classification: Likely benign. Last evaluated: 2021-07-16. Review status: criteria provided, single submitter. Criteria: ACMG Guidelines, 2015. Collection method: clinical testing. Allele origin: germline.

PreventionGenetics, part of Exact Sciences
Classification: Likely benign for SLC34A3-related condition. Last evaluated: 2024-06-02. Review status: no assertion criteria provided. Collection method: clinical testing. Allele origin: germline. Not counted in ClinVar's aggregate classification.
Comment: This variant is classified as likely benign based on ACMG/AMP sequence variant interpretation guidelines (Richards et al. 2015 PMID: 25741868, with internal and published modifications).

NM_001177316.2(SLC34A3):c.1179C>T (p.Ser393=)

Gene: SLC34A3 (solute carrier family 34 member 3; plus strand). Cytogenetic location: 9q34.3.
Variant type: single nucleotide variant.
Coding change: c.1179C>T on transcript NM_001177316.2 (MANE Select); coding-DNA position 1179, C replaced by T.
Protein change: p.Ser393=; no amino-acid change (serine 393 retained).
Molecular consequence: synonymous variant.
Genome position (GRCh38, 1-based): chr9:137,234,501, C>T. VCF-style: chr9-137234501-C-T. GRCh37 (hg19) VCF-style: chr9-140128953-C-T.
Other names: c.1179C>T, p.Ser393= (NM_001177317.2, NM_080877.3).
Identifiers: ClinVar variation 1594333 (VCV001594333.11), dbSNP rs200677629, ClinGen allele CA5364822.